The following is an entry in ClinVar:

ClinVar aggregate classification (germline): not provided (0 of 4 stars; one submission).

Allele frequency attached by ClinVar (database versions not stated): gnomAD exomes below 0.00001.
gnomAD v4.1: 4 of 1,613,124 alleles (0.00025%); highest among the groups gnomAD compares: South Asian, 0.0011%; no homozygotes.

Submission:

Human Evolutionary Genetics, Institut Pasteur
No classification provided. Review status: no classification provided. Collection method: not provided. Allele origin: germline.
ClinVar note: Converted during submission from untested to not provided.

NM_001433706.1(NLRP8):c.2043-3T>C

Gene: NLRP8 (NLR family pyrin domain containing 8; plus strand). Cytogenetic location: 19q13.43.
Variant type: single nucleotide variant.
Coding change: c.2043-3T>C on transcript NM_001433706.1 (MANE Select); 3 bases into the intron before coding-DNA position 2043, T replaced by C.
Molecular consequence: intron variant.
Genome position (GRCh38, 1-based): chr19:55,962,064, T>C. VCF-style: chr19-55962064-T-C. GRCh37 (hg19) VCF-style: chr19-56473430-T-C.
Other names: NM_176811.2:c.2043-3T>C; c.2043-3T>C (NM_001317000.1).
Identifiers: ClinVar variation 103322 (VCV000103322.2), dbSNP rs199475838, ClinGen allele CA230415.
Genomic context (GRCh38, chr19:55,962,064, plus strand): 5'-TTTCCTAGTAGATTTTCTCCAGTTTAACGAAGAGGTGTTTTCTCTCTTCTCCCTTCCATG[T>C]AGAGCGCCAGAGAGCAATGGGCTGCATCGTTGGTGGCAAGACTTATGCTCTGTGTTTGCA-3'